The following is an entry in ClinVar:

NM_001018115.3(FANCD2):c.2882G>A (p.Gly961Glu)

Genes: FANCD2 (FA complementation group D2; plus strand), LOC107303338 (3p25 FANCD2 Alu-mediated recombination region; plus strand). Cytogenetic location: 3p25.3.
Variant type: single nucleotide variant.
Coding change: c.2882G>A on transcript NM_001018115.3 (MANE Select); coding-DNA position 2882, G replaced by A.
Protein change: p.Gly961Glu; replaces glycine 961 with glutamic acid.
Molecular consequence: missense variant.
Genome position (GRCh38, 1-based): chr3:10,078,103, G>A. VCF-style: chr3-10078103-G-A. GRCh37 (hg19) VCF-style: chr3-10119787-G-A.
Other names: c.2882G>A, p.Gly961Glu (NM_001319984.2, NM_001374254.1, NM_033084.6); c.2771G>A, p.Gly924Glu (NM_001374253.1); short protein forms G924E, G961E.
Identifiers: ClinVar variation 2061848 (VCV002061848.4), dbSNP rs1249846855, ClinGen allele CA351745973.

ClinVar aggregate classification (germline): Uncertain significance (1 of 4 stars; one submission).

Conditions:
Fanconi anemia (FA). Also called: Fanconi's anemia. Identifiers: Orphanet 84, MedGen C0015625, MeSH D005199, MONDO:0019391.

Allele frequency attached by ClinVar (database versions not stated): gnomAD exomes below 0.00001.
gnomAD v4.1: 2 of 1,613,518 alleles (0.00012%); highest among the groups gnomAD compares: Admixed American, 0.0017%; no homozygotes.

Submission:

Labcorp Genetics (formerly Invitae), Labcorp
Classification: Uncertain significance for Fanconi anemia. Last evaluated: 2022-09-06. Review status: criteria provided, single submitter. Criteria: Invitae Variant Classification Sherloc (09022015). Collection method: clinical testing. Allele origin: germline.
Comment: In summary, the available evidence is currently insufficient to determine the role of this variant in disease. Therefore, it has been classified as a Variant of Uncertain Significance. Algorithms developed to predict the effect of missense changes on protein structure and function output the following: SIFT: "Tolerated"; PolyPhen-2: "Benign"; Align-GVGD: "Class C0". The glutamic acid amino acid residue is found in multiple mammalian species, which suggests that this missense change does not adversely affect protein function. This sequence change replaces glycine, which is neutral and non-polar, with glutamic acid, which is acidic and polar, at codon 961 of the FANCD2 protein (p.Gly961Glu). This variant is present in population databases (no rsID available, gnomAD 0.003%). This variant has not been reported in the literature in individuals affected with FANCD2-related conditions.